The following is an entry in ClinVar:

ClinVar aggregate classification (germline): Uncertain significance (1 of 4 stars; one submission).

Conditions:
Aortic valve disease 2 (AOVD2). Identifiers: MedGen C3542024, MONDO:0013902, OMIM 614823.

Submission:

Labcorp Genetics (formerly Invitae), Labcorp
Classification: Uncertain significance for Aortic valve disease 2. Last evaluated: 2021-06-28. Review status: criteria provided, single submitter. Criteria: Invitae Variant Classification Sherloc (09022015). Collection method: clinical testing. Allele origin: germline.
Comment: This variant has not been reported in the literature in individuals with TBX5-related conditions. Advanced modeling of protein sequence and biophysical properties (such as structural, functional, and spatial information, amino acid conservation, physicochemical variation, residue mobility, and thermodynamic stability) performed at Invitae indicates that this missense variant is expected to disrupt TBX5 protein function. In summary, the available evidence is currently insufficient to determine the role of this variant in disease. Therefore, it has been classified as a Variant of Uncertain Significance. This variant is not present in population databases (ExAC no frequency). This sequence change replaces lysine with threonine at codon 159 of the TBX5 protein (p.Lys159Thr). The lysine residue is highly conserved and there is a moderate physicochemical difference between lysine and threonine.

NM_181486.4(TBX5):c.476A>C (p.Lys159Thr)

Gene: TBX5 (T-box transcription factor 5; minus strand). Cytogenetic location: 12q24.21.
Variant type: single nucleotide variant.
Coding change: c.476A>C on transcript NM_181486.4 (MANE Select); coding-DNA position 476, A replaced by C.
Protein change: p.Lys159Thr; replaces lysine 159 with threonine.
Molecular consequence: missense variant.
Genome position (GRCh38, 1-based): chr12:114,398,607, T>G on the plus strand (A>C on the coding strand, the complement: TBX5 is on the minus strand). VCF-style: chr12-114398607-T-G. GRCh37 (hg19) VCF-style: chr12-114836412-T-G.
Other names: c.476A>C, p.Lys159Thr (NM_000192.3); c.326A>C, p.Lys109Thr (NM_080717.4); short protein forms K109T, K159T.
Identifiers: ClinVar variation 1364477 (VCV001364477.8), dbSNP rs2136416640, ClinGen allele CA386862013.